The following is an entry in ClinVar:

ClinVar aggregate classification (germline): Uncertain significance (1 of 4 stars; one submission).

Conditions:
Hyper-IgE recurrent infection syndrome 1, autosomal dominant. Also called: JOB SYNDROME; Hyper-IgE recurrent infection syndrome 1; STAT3 Hyper IgE Syndrome; HYPER-IgE SYNDROME 1, AUTOSOMAL DOMINANT, WITH RECURRENT INFECTIONS; Job's Syndrome. Identifiers: Orphanet 2314, MedGen C2936739, MONDO:0007818, OMIM 147060.
STAT3 gain of function. Identifiers: MedGen C4288261.

Submission:

Labcorp Genetics (formerly Invitae), Labcorp
Classification: Uncertain significance for STAT3 gain of function; Hyper-IgE recurrent infection syndrome 1, autosomal dominant. Last evaluated: 2023-09-17. Review status: criteria provided, single submitter. Criteria: Invitae Variant Classification Sherloc (09022015). Collection method: clinical testing. Allele origin: germline.
Comment: This variant results in a copy number gain of the genomic region encompassing exon(s) 5-14 of the STAT3 gene. While the exact position of this variant cannot be determined from the data, sub-genic copy number gains are generally in tandem (PMID: 25640679). This variant is predicted to be in-frame, and likely preserves the integrity of the reading frame. This variant has not been reported in the literature in individuals affected with STAT3-related conditions. Experimental studies and prediction algorithms are not available or were not evaluated, and the functional significance of this variant is currently unknown. In summary, the available evidence is currently insufficient to determine the role of this variant in disease. Therefore, it has been classified as a Variant of Uncertain Significance.

Literature cited by the submitters: PubMed 25640679.

NC_000017.10:g.(?_40481408)_(40491447_?)dup

Gene: STAT3 (signal transducer and activator of transcription 3; minus strand). Cytogenetic location: 17q21.2.
Variant type: Duplication.
Identifiers: ClinVar variation 2427284 (VCV002427284.8).